The following is an entry in ClinVar:

ClinVar aggregate classification (germline): Uncertain significance. Review status: criteria provided, multiple submitters, no conflicts (2 of 4 stars). 4 submissions from 4 submitters: Uncertain significance (4). Last evaluated 2025-12-21.

Conditions:
Hereditary cancer-predisposing syndrome. Also called: Tumor predisposition; Neoplastic Syndromes, Hereditary; Hereditary Cancer Syndrome; Hereditary neoplastic syndrome. Identifiers: Orphanet 140162, MedGen C0027672, MeSH D009386, MONDO:0015356.

Allele frequency attached by ClinVar (database versions not stated): gnomAD 0.00001; gnomAD exomes 0.00001; TOPMed 0.00001.
gnomAD v4.1: 12 of 1,611,482 alleles (0.00074%); highest among the groups gnomAD compares: Non-Finnish European, 0.001%; no homozygotes.

Submissions (4):

Labcorp Genetics (formerly Invitae), Labcorp
Classification: Uncertain significance. Last evaluated: 2025-12-21. Review status: criteria provided, single submitter. Criteria: Invitae Variant Classification Sherloc (09022015). Collection method: clinical testing. Allele origin: germline.
Comment: This sequence change replaces serine, which is neutral and polar, with isoleucine, which is neutral and non-polar, at codon 1757 of the POLE protein (p.Ser1757Ile). This variant is not present in population databases (gnomAD no frequency). This variant has not been reported in the literature in individuals affected with POLE-related conditions. ClinVar contains an entry for this variant (Variation ID: 240555). Invitae Evidence Modeling of protein sequence and biophysical properties (such as structural, functional, and spatial information, amino acid conservation, physicochemical variation, residue mobility, and thermodynamic stability) indicates that this missense variant is not expected to disrupt POLE protein function with a negative predictive value of 80%. In summary, the available evidence is currently insufficient to determine the role of this variant in disease. Therefore, it has been classified as a Variant of Uncertain Significance.

Ambry Genetics
Classification: Uncertain significance for Hereditary cancer-predisposing syndrome. Last evaluated: 2025-01-31. Review status: criteria provided, single submitter. Criteria: Ambry Variant Classification Scheme 2023. Collection method: clinical testing. Allele origin: germline.
Comment: The p.S1757I variant (also known as c.5270G>T), located in coding exon 39 of the POLE gene, results from a G to T substitution at nucleotide position 5270. The serine at codon 1757 is replaced by isoleucine, an amino acid with dissimilar properties. This amino acid position is highly conserved in available vertebrate species. In addition, this alteration is predicted to be deleterious by in silico analysis. Based on the available evidence, the clinical significance of this variant remains unclear.

GeneDx
Classification: Uncertain significance. Last evaluated: 2024-06-24. Review status: criteria provided, single submitter. Criteria: GeneDx Variant Classification Process June 2021. Collection method: clinical testing. Allele origin: germline. Affected: yes.
Comment: Not observed at significant frequency in large population cohorts (gnomAD); In silico analysis supports that this missense variant has a deleterious effect on protein structure/function; Has not been previously published as pathogenic or benign to our knowledge

Laboratory for Molecular Medicine, Mass General Brigham Personalized Medicine
Classification: Uncertain significance. Last evaluated: 2017-04-21. Review status: criteria provided, single submitter. Criteria: LMM Criteria. Collection method: clinical testing. Allele origin: germline. Observed: 1 variant allele.
Comment: The p.Ser1757Ile variant in POLE has not been previously reported in the literat ure, but has been reported in ClinVar (Variation ID 240555). This variant was ab sent from large population studies. Computational prediction tools and conservat ion analysis suggest that the p.Ser1757Ile variant may impact the protein, thoug h this information is not predictive enough to determine pathogenicity. In summa ry, the clinical significance of the p.Ser1757Ile variant is uncertain.

NM_006231.4(POLE):c.5270G>T (p.Ser1757Ile)

Gene: POLE (DNA polymerase epsilon, catalytic subunit; minus strand). Cytogenetic location: 12q24.33.
Variant type: single nucleotide variant.
Coding change: c.5270G>T on transcript NM_006231.4 (MANE Select); coding-DNA position 5270, G replaced by T.
Protein change: p.Ser1757Ile; replaces serine 1757 with isoleucine.
Molecular consequence: missense variant.
Genome position (GRCh38, 1-based): chr12:132,641,755, C>A on the plus strand (G>T on the coding strand, the complement: POLE is on the minus strand). VCF-style: chr12-132641755-C-A. GRCh37 (hg19) VCF-style: chr12-133218341-C-A.
Other names: short protein forms S1757I.
Identifiers: ClinVar variation 240555 (VCV000240555.18), dbSNP rs878854882, ClinGen allele CA10582977.